The following is an entry in ClinVar:

ClinVar aggregate classification (germline): Uncertain significance (1 of 4 stars; one submission).

Conditions:
Developmental and epileptic encephalopathy, 18 (DEE18). Also called: Early infantile epileptic encephalopathy 18. Identifiers: Orphanet 369894, MedGen C3809624, MONDO:0014201, OMIM 615476.

Submission:

ARUP Laboratories, Molecular Genetics and Genomics, ARUP Laboratories
Classification: Uncertain significance for Developmental and epileptic encephalopathy, 18. Last evaluated: 2023-09-12. Review status: criteria provided, single submitter. Criteria: ARUP Molecular Germline Variant Investigation Process 2024. Collection method: clinical testing. Allele origin: germline.
Comment: Due to limited information, including a lack of clinical and/or functional data and an uninformative population frequency, the clinical significance of this variant is uncertain at this time.

NM_001365999.1(SZT2):c.956C>G (p.Ala319Gly)

Gene: SZT2 (SZT2 subunit of KICSTOR complex; plus strand). Cytogenetic location: 1p34.2.
Variant type: single nucleotide variant.
Coding change: c.956C>G on transcript NM_001365999.1 (MANE Select); coding-DNA position 956, C replaced by G.
Protein change: p.Ala319Gly; replaces alanine 319 with glycine.
Molecular consequence: missense variant.
Genome position (GRCh38, 1-based): chr1:43,419,810, C>G. VCF-style: chr1-43419810-C-G. GRCh37 (hg19) VCF-style: chr1-43885481-C-G.
Other names: c.956C>G, p.Ala319Gly (NM_015284.4); short protein forms A319G.
Identifiers: ClinVar variation 2921086 (VCV002921086.1), dbSNP rs2545800349, ClinGen allele CA340005994.